The following is an entry in ClinVar:

ClinVar aggregate classification (germline): Uncertain significance (1 of 4 stars; one submission).

Conditions:
Charcot-Marie-Tooth disease dominant intermediate B (CMTDIB). Also called: CHARCOT-MARIE-TOOTH NEUROPATHY, DOMINANT INTERMEDIATE B; Charcot-Marie-Tooth disease dominant intermediate 1; CMT DI1; Charcot-Marie-Tooth disease dominant intermediate I. Identifiers: Orphanet 100044, Orphanet 228179, MedGen C1847902, MONDO:0011674, OMIM 606482.

Allele frequency attached by ClinVar (database versions not stated): gnomAD exomes 0.00001 and 0.00002.
gnomAD v4.1: 10 of 1,614,084 alleles (0.00062%); highest among the groups gnomAD compares: Admixed American, 0.005%; no homozygotes.

Submissions (2):

Labcorp Genetics (formerly Invitae), Labcorp
Classification: Uncertain significance for Charcot-Marie-Tooth disease dominant intermediate B. Last evaluated: 2019-10-17. Review status: criteria provided, single submitter. Criteria: Invitae Variant Classification Sherloc (09022015). Collection method: clinical testing. Allele origin: germline.
Comment: In summary, the available evidence is currently insufficient to determine the role of this variant in disease. Therefore, it has been classified as a Variant of Uncertain Significance. Algorithms developed to predict the effect of sequence changes on RNA splicing suggest that this variant may create or strengthen a splice site, but this prediction has not been confirmed by published transcriptional studies. This variant has not been reported in the literature in individuals with DNM2-related conditions. This variant is not present in population databases (ExAC no frequency). This sequence change affects codon 138 of the DNM2 mRNA. It is a 'silent' change, meaning that it does not change the encoded amino acid sequence of the DNM2 protein.

Dr. Peter K. Rogan Lab, Western University
No classification provided (evidence only). Condition: Glioma susceptibility 1. Review status: no classification provided. Collection method: in vitro. Allele origin: not applicable. Functional consequence: retained intron. Not counted in ClinVar's aggregate classification.

NM_001005361.3(DNM2):c.414G>A (p.Pro138=)

Gene: DNM2 (dynamin 2; plus strand). Cytogenetic location: 19p13.2.
Variant type: single nucleotide variant.
Coding change: c.414G>A on transcript NM_001005361.3 (MANE Select); coding-DNA position 414, G replaced by A.
Protein change: p.Pro138=; no amino-acid change (proline 138 retained).
Molecular consequence: synonymous variant.
Genome position (GRCh38, 1-based): chr19:10,775,731, G>A. VCF-style: chr19-10775731-G-A. GRCh37 (hg19) VCF-style: chr19-10886407-G-A.
Other names: c.414G>A, p.Pro138= (NM_001005360.3, NM_001005362.3, NM_001190716.2 and 1 more transcripts).
Identifiers: ClinVar variation 933840 (VCV000933840.10), dbSNP rs1222869455, ClinGen allele CA505493265.